The following is an entry in ClinVar:

NM_000268.4(NF2):c.225C>A (p.Leu75=)

Gene: NF2 (NF2, moesin-ezrin-radixin like (MERLIN) tumor suppressor; plus strand). Cytogenetic location: 22q12.2.
Variant type: single nucleotide variant.
Coding change: c.225C>A on transcript NM_000268.4 (MANE Select); coding-DNA position 225, C replaced by A.
Protein change: p.Leu75=; no amino-acid change (leucine 75 retained).
Molecular consequence: synonymous variant. On other transcripts: 5 prime UTR variant (2), intron variant (6).
Genome position (GRCh38, 1-based): chr22:29,636,861, C>A. VCF-style: chr22-29636861-C-A. GRCh37 (hg19) VCF-style: chr22-30032850-C-A.
Other names: c.111C>A, p.Leu37= (NM_001407053.1, NM_001407056.1); c.225C>A, p.Leu75= (NM_001407054.1, NM_001407057.1, NM_001407058.1 and 9 more transcripts); c.-416C>A (NM_001407065.1); c.-32C>A (NM_001407067.1); c.115-2229C>A (NM_181828.3, NM_001407055.1); c.115-5341C>A (NM_001407063.1, NM_181830.3, NM_001407064.1 and 1 more transcripts).
Identifiers: ClinVar variation 3879162 (VCV003879162.1).
Genomic context (GRCh38, chr22:29,636,861, plus strand): 5'-GCTCCGAGAAACCTGGTTCTTTGGACTGCAGTACACAATCAAGGACACAGTGGCCTGGCT[C>A]AAAATGGACAAGAAGGTTGGGCTAGAACTCGATGAAACTGGTGGGGCTGACGTGAGCTTT-3'
Protein context (NP_000259.1, residues 65-85): QYTIKDTVAW[Leu75=]KMDKKVLDHD

ClinVar aggregate classification (germline): Uncertain significance (1 of 4 stars; one submission).

Conditions:
Hereditary cancer-predisposing syndrome. Also called: Tumor predisposition; Neoplastic Syndromes, Hereditary; Hereditary Cancer Syndrome; Hereditary neoplastic syndrome. Identifiers: Orphanet 140162, MedGen C0027672, MeSH D009386, MONDO:0015356.

Submission:

Ambry Genetics
Classification: Uncertain significance for Hereditary cancer-predisposing syndrome. Last evaluated: 2024-12-30. Review status: criteria provided, single submitter. Criteria: Ambry Variant Classification Scheme 2023. Collection method: clinical testing. Allele origin: germline.
Comment: The c.225C>A variant (also known as p.L75L), located in coding exon 2 of the NF2 gene, results from a C to A substitution at nucleotide position 225. This nucleotide substitution does not change the leucine at codon 75. This nucleotide position is not well conserved in available vertebrate species. In silico splice site analysis for this alteration is inconclusive. Based on the available evidence, the clinical significance of this variant remains unclear.